The following is an entry in ClinVar:

NM_001122681.2(SH3BP2):c.661_710delinsAGAAGGGTG (p.Pro221fs)

Gene: SH3BP2 (SH3 domain binding protein 2; plus strand). Cytogenetic location: 4p16.3.
Variant type: Indel.
Coding change: c.661_710delinsAGAAGGGTG on transcript NM_001122681.2 (MANE Select); coding-DNA positions 661 to 710, the reference bases replaced by AGAAGGGTG.
Protein change: p.Pro221fs; shifts the reading frame from proline 221.
Molecular consequence: frameshift variant.
Genome position (GRCh38, 1-based): chr4:2,829,567-2,829,616, 50 bases replaced. GRCh37 (hg19): chr4:2,831,294-2,831,343.
Other names: c.745_794delinsAGAAGGGTG, p.Pro249fs (NM_001145855.2); c.832_881delinsAGAAGGGTG, p.Pro278fs (NM_001145856.2); c.661_710delinsAGAAGGGTG, p.Pro221fs (NM_003023.4); short protein forms P221fs, P249fs, P278fs.
Identifiers: ClinVar variation 2104739 (VCV002104739.4), dbSNP rs2530348243, ClinGen allele CA2580070708.

ClinVar aggregate classification (germline): Uncertain significance (1 of 4 stars; one submission).

Conditions:
Fibrous dysplasia of jaw (CRBM). Also called: Cherubism. Identifiers: Orphanet 184, MedGen C0008029, MONDO:0007315, OMIM 118400.

Submission:

Labcorp Genetics (formerly Invitae), Labcorp
Classification: Uncertain significance for Fibrous dysplasia of jaw. Last evaluated: 2022-02-28. Review status: criteria provided, single submitter. Criteria: Invitae Variant Classification Sherloc (09022015). Collection method: clinical testing. Allele origin: germline.
Comment: In summary, the available evidence is currently insufficient to determine the role of this variant in disease. Therefore, it has been classified as a Variant of Uncertain Significance. This variant has not been reported in the literature in individuals affected with SH3BP2-related conditions. This variant is not present in population databases (gnomAD no frequency). This sequence change creates a premature translational stop signal (p.Pro221Argfs*7) in the SH3BP2 gene. It is expected to result in an absent or disrupted protein product. However, the current clinical and genetic evidence is not sufficient to establish whether loss-of-function variants in SH3BP2 cause disease.